The following is an entry in ClinVar:

NM_006012.4(CLPP):c.395T>C (p.Ile132Thr)

Gene: CLPP (caseinolytic mitochondrial matrix peptidase proteolytic subunit; plus strand). Cytogenetic location: 19p13.3.
Variant type: single nucleotide variant.
Coding change: c.395T>C on transcript NM_006012.4 (MANE Select); coding-DNA position 395, T replaced by C.
Protein change: p.Ile132Thr; replaces isoleucine 132 with threonine.
Molecular consequence: missense variant.
Genome position (GRCh38, 1-based): chr19:6,364,479, T>C. VCF-style: chr19-6364479-T-C. GRCh37 (hg19) VCF-style: chr19-6364490-T-C.
Other names: short protein forms I132T.
Identifiers: ClinVar variation 3257209 (VCV003257209.17).

ClinVar aggregate classification (germline): Uncertain significance (1 of 4 stars; one submission).

Submission:

CeGaT Center for Human Genetics Tuebingen
Classification: Uncertain significance. Last evaluated: 2024-07-01. Review status: criteria provided, single submitter. Criteria: CeGaT Center For Human Genetics Tuebingen Variant Classification Criteria Version 2. Collection method: clinical testing. Allele origin: germline. Affected: yes. Observed: 1 variant allele.
Comment: CLPP: PM2, PM5, PP3